The following is an entry in ClinVar:

ClinVar aggregate classification (germline): Uncertain significance (1 of 4 stars; one submission).

Submission:

GeneDx
Classification: Uncertain significance. Last evaluated: 2024-06-26. Review status: criteria provided, single submitter. Criteria: GeneDx Variant Classification Process June 2021. Collection method: clinical testing. Allele origin: germline. Affected: yes.
Comment: Not observed at significant frequency in large population cohorts (gnomAD); In-frame deletion of three amino acids in a non-repeat region; In silico analysis supports a deleterious effect on protein structure/function; Has not been previously published as pathogenic or benign to our knowledge

NM_001002295.2(GATA3):c.511GGCTCGGCC[1] (p.171GSA[1])

Gene: GATA3 (GATA binding protein 3; plus strand). Cytogenetic location: 10p14.
Variant type: Microsatellite.
Coding change: c.511GGCTCGGCC[1] on transcript NM_001002295.2 (MANE Select); one copy of the 9-base unit GGCTCGGCC starting at c.511; the reference has two copies in a row; one copy, 9 bases deleted.
Protein change: p.171GSA[1].
Molecular consequence: inframe deletion.
Genome position (GRCh38, 1-based): chr10:8,058,583-8,058,591, GGCTCGGCC deleted; deleting any 9 consecutive bases within chr10:8,058,574-8,058,591 gives the same sequence; the position shown is the placement nearest the transcript's 3' end. VCF-style (leftmost placement, unchanged base first): chr10-8058573-AGGCTCGGCC-A. GRCh37 (hg19) VCF-style: chr10-8100536-AGGCTCGGCC-A.
Other names: c.511GGCTCGGCC[1], p.171GSA[1] (NM_002051.3).
Identifiers: ClinVar variation 3392735 (VCV003392735.1).